The following is an entry in ClinVar:

NM_001110556.2(FLNA):c.7405C>T (p.Pro2469Ser)

Gene: FLNA (filamin A; minus strand). Cytogenetic location: Xq28.
Variant type: single nucleotide variant.
Coding change: c.7405C>T on transcript NM_001110556.2 (MANE Select); coding-DNA position 7405, C replaced by T.
Protein change: p.Pro2469Ser; replaces proline 2469 with serine.
Molecular consequence: missense variant.
Genome position (GRCh38, 1-based): chrX:154,349,796, G>A on the plus strand (C>T on the coding strand, the complement: FLNA is on the minus strand). VCF-style: chrX-154349796-G-A. GRCh37 (hg19) VCF-style: chrX-153578164-G-A.
Other names: c.7381C>T, p.Pro2461Ser (NM_001456.4); c.7381C>T (NM_001456.3); short protein forms P2461S, P2469S.
Identifiers: ClinVar variation 2930558 (VCV002930558.5), dbSNP rs2522713920, ClinGen allele CA415182689.
Genomic context (GRCh38, chrX:154,349,796, plus strand): 5'-GGGTATAGGTGACGCGGTAGCCCTCAGGGCACTCCTGGCAATCCATCTTCACCTTGGAGG[G>A]GCCGTCAATGGTCACCGACAGGGCACCAGCTCCCGCATTGCTCGTGTTCACGACGAACTC-3'
Protein context (NP_001104026.1, residues 2459-2479): AGALSVTIDG[Pro2469Ser]SKVKMDCQEC

ClinVar aggregate classification (germline): Uncertain significance. Review status: criteria provided, multiple submitters, no conflicts (2 of 4 stars). 3 submissions from 3 submitters: Uncertain significance (3). Last evaluated 2023-12-18.

Conditions:
Familial thoracic aortic aneurysm and aortic dissection (TAAD). Also called: Thoracic aortic aneurysms and dissections. Identifiers: Orphanet 91387, MedGen C4707243, MONDO:0019625.
Oto-palato-digital syndrome, type II (OPD2). Also called: Otopalatodigital Syndrome Type 2 (FLNA-OPD2); FACIOPALATOOSSEOUS SYNDROME; OPD II SYNDROME; Otopalatodigital Syndrome, Type II. Identifiers: Orphanet 669, Orphanet 90652, MedGen C1844696, MONDO:0010571, OMIM 304120.
Heterotopia, periventricular, X-linked dominant (PVNH1). Also called: PERIVENTRICULAR NODULAR HETEROTOPIA 1; X-linked periventricular heterotopia; PERIVENTRICULAR NODULAR HETEROTOPIA 4; HETEROTOPIA, PERIVENTRICULAR, 1. Identifiers: Orphanet 2149, Orphanet 82004, MedGen C1848213, MONDO:0010233, OMIM 300049.
Melnick-Needles syndrome (MNS). Also called: Melnick-Needles Syndrome (FLNA-MNS); MELNICK-NEEDLES OSTEODYSPLASTY; OSTEODYSPLASTY OF MELNICK AND NEEDLES. Identifiers: Orphanet 2484, MedGen C0025237, MONDO:0010650, OMIM 309350.
Frontometaphyseal dysplasia (FMD1). Identifiers: Orphanet 1826, MedGen C0265293, MONDO:0015942.

Submissions (3):

Ambry Genetics
Classification: Uncertain significance for Familial thoracic aortic aneurysm and aortic dissection. Last evaluated: 2023-12-18. Review status: criteria provided, single submitter. Criteria: Ambry Variant Classification Scheme 2023. Collection method: clinical testing. Allele origin: germline.

Labcorp Genetics (formerly Invitae), Labcorp
Classification: Uncertain significance for Oto-palato-digital syndrome, type II; Heterotopia, periventricular, X-linked dominant; Frontometaphyseal dysplasia; Melnick-Needles syndrome. Last evaluated: 2023-03-03. Review status: criteria provided, single submitter. Criteria: Invitae Variant Classification Sherloc (09022015). Collection method: clinical testing. Allele origin: germline.
Comment: In summary, the available evidence is currently insufficient to determine the role of this variant in disease. Therefore, it has been classified as a Variant of Uncertain Significance. Advanced modeling of protein sequence and biophysical properties (such as structural, functional, and spatial information, amino acid conservation, physicochemical variation, residue mobility, and thermodynamic stability) performed at Invitae indicates that this missense variant is not expected to disrupt FLNA protein function. This variant has not been reported in the literature in individuals affected with FLNA-related conditions. This variant is not present in population databases (gnomAD no frequency). This sequence change replaces proline, which is neutral and non-polar, with serine, which is neutral and polar, at codon 2461 of the FLNA protein (p.Pro2461Ser).

Kariminejad - Najmabadi Pathology & Genetics Center
Classification: Uncertain significance. Last evaluated: 2016-09-17. Review status: criteria provided, single submitter. Criteria: ACMG Guidelines, 2015. Collection method: clinical testing. Allele origin: germline. Inheritance: X-linked inheritance. Affected: yes.
Comment: PM2 PP3